The following is an entry in ClinVar:

ClinVar aggregate classification (germline): Uncertain significance (1 of 4 stars; one submission).

Conditions:
Hereditary sensory neuropathy-deafness-dementia syndrome. Also called: HSN IE; NEUROPATHY, HEREDITARY SENSORY, WITH HEARING LOSS AND DEMENTIA; Hereditary sensory neuropathy type IE; Hereditary Sensory and Autonomic Neuropathy Type 1E (HSAN1E). Identifiers: Orphanet 456318, MedGen C3279885, MONDO:0013584, OMIM 614116.

Submission:

Dasa
Classification: Uncertain significance for Hereditary sensory neuropathy-deafness-dementia syndrome. Last evaluated: 2025-11-19. Review status: criteria provided, single submitter. Criteria: DASA Assertion Criteria. Collection method: clinical testing. Allele origin: germline.
Comment: NM_001130823.3(DNMT1):c.425A>C (p.Lys142Thr) is a missense variant that results in the substitution of lysine with threonine. This variant is absent from population databases. Computational prediction algorithms are consistent with a benign effect. The currently available literature and clinical evidence are not sufficient to establish a definitive association between this variant and the reported condition. Therefore, this variant is classified as a variant of uncertain significance.

NM_001130823.3(DNMT1):c.425A>C (p.Lys142Thr)

Gene: DNMT1 (DNA methyltransferase 1; minus strand). Cytogenetic location: 19p13.2.
Variant type: single nucleotide variant.
Coding change: c.425A>C on transcript NM_001130823.3 (MANE Select); coding-DNA position 425, A replaced by C.
Protein change: p.Lys142Thr; replaces lysine 142 with threonine.
Molecular consequence: missense variant.
Genome position (GRCh38, 1-based): chr19:10,180,370, T>G on the plus strand (A>C on the coding strand, the complement: DNMT1 is on the minus strand). VCF-style: chr19-10180370-T-G. GRCh37 (hg19) VCF-style: chr19-10291046-T-G.
Other names: c.425A>C, p.Lys142Thr (NM_001318730.2, NM_001379.4); c.62A>C, p.Lys21Thr (NM_001318731.2); short protein forms K142T, K21T.
Identifiers: ClinVar variation 4883574 (VCV004883574.2).